The following is an entry in ClinVar:

NM_000124.4(ERCC6):c.973del (p.Glu325fs)

Gene: ERCC6 (ERCC excision repair 6, chromatin remodeling factor; minus strand). Cytogenetic location: 10q11.23.
Variant type: Deletion.
Coding change: c.973del on transcript NM_000124.4 (MANE Select); coding-DNA position 973, one base deleted (G; older notation c.973delG).
Protein change: p.Glu325fs; shifts the reading frame from glutamic acid 325.
Molecular consequence: frameshift variant.
Genome position (GRCh38, 1-based): chr10:49,524,457, C deleted on the plus strand (G on the coding strand, the reverse complement: ERCC6 is on the minus strand). VCF-style (leftmost placement, unchanged base first): chr10-49524456-TC-T. GRCh37 (hg19) VCF-style: chr10-50732502-TC-T.
Other names: c.973del, p.Glu325fs (NM_001277058.2, NM_001277059.2, NM_001346440.2); short protein forms E325fs.
Identifiers: ClinVar variation 5015672 (VCV005015672.1).

ClinVar aggregate classification (germline): Pathogenic (1 of 4 stars; one submission).

Conditions:
Cockayne spectrum with or without cerebrooculofacioskeletal syndrome. Identifiers: MedGen CN315928, MONDO:0100506.

Submission:

Myriad Genetics, Inc.
Classification: Pathogenic for Cockayne spectrum with or without cerebrooculofacioskeletal syndrome. Last evaluated: 2026-03-12. Review status: criteria provided, single submitter. Criteria: Myriad Autosomal Dominant, Autosomal Recessive and X-Linked Classification Criteria (2023). Collection method: clinical testing. Allele origin: unknown.
Comment: NM_000124.2(ERCC6):c.973delG(E325Rfs*4) is expected to be pathogenic in the context of ERCC6-related disorders. This variant is predicted to lead to an abnormal or absent protein product due to the creation of a premature termination codon in ERCC6, a gene where loss-of-function variants are known to be pathogenic. Please note: this variant was assessed in the context of healthy population screening.